The following is an entry in ClinVar:

ClinVar aggregate classification (germline): Likely benign (1 of 4 stars; one submission).

Submission:

CeGaT Center for Human Genetics Tuebingen
Classification: Likely benign. Last evaluated: 2023-03-01. Review status: criteria provided, single submitter. Criteria: CeGaT Center For Human Genetics Tuebingen Variant Classification Criteria Version 2. Collection method: clinical testing. Allele origin: germline. Affected: yes. Observed: 1 variant allele.
Comment: DLX6: BP4, BP7

NM_005222.4(DLX6):c.102G>A (p.Gln34=)

Genes: DLX6 (distal-less homeobox 6; plus strand), DLX6-AS1 (DLX6 antisense RNA 1; minus strand). Cytogenetic location: 7q21.3.
Variant type: single nucleotide variant.
Coding change: c.102G>A on transcript NM_005222.4 (MANE Select); coding-DNA position 102, G replaced by A.
Protein change: p.Gln34=; no amino-acid change (glutamine 34 retained).
Molecular consequence: synonymous variant.
Genome position (GRCh38, 1-based): chr7:97,006,079, G>A. VCF-style: chr7-97006079-G-A. GRCh37 (hg19) VCF-style: chr7-96635391-G-A.
Identifiers: ClinVar variation 2657693 (VCV002657693.24), dbSNP rs35478952, ClinGen allele CA163003290.